The following is an entry in ClinVar:

ClinVar aggregate classification (germline): Uncertain significance (1 of 4 stars; one submission).

Submission:

Ambry Genetics
Classification: Uncertain significance. Last evaluated: 2024-01-17. Review status: criteria provided, single submitter. Criteria: Ambry Variant Classification Scheme 2023. Collection method: clinical testing. Allele origin: germline.
Comment: The p.P329T variant (also known as c.985C>A), located in coding exon 6 of the IDH1 gene, results from a C to A substitution at nucleotide position 985. The proline at codon 329 is replaced by threonine, an amino acid with highly similar properties. This amino acid position is conserved. In addition, this alteration is predicted to be deleterious by in silico analysis. Based on the available evidence, the clinical significance of this alteration remains unclear.

NM_005896.4(IDH1):c.985C>A (p.Pro329Thr)

Gene: IDH1 (isocitrate dehydrogenase (NADP(+)) 1; minus strand). Cytogenetic location: 2q34.
Variant type: single nucleotide variant.
Coding change: c.985C>A on transcript NM_005896.4 (MANE Select); coding-DNA position 985, C replaced by A.
Protein change: p.Pro329Thr; replaces proline 329 with threonine.
Molecular consequence: missense variant.
Genome position (GRCh38, 1-based): chr2:208,239,869, G>T on the plus strand (C>A on the coding strand, the complement: IDH1 is on the minus strand). VCF-style: chr2-208239869-G-T. GRCh37 (hg19) VCF-style: chr2-209104593-G-T.
Other names: c.985C>A, p.Pro329Thr (NM_001282386.1, NM_001282387.1); short protein forms P329T.
Identifiers: ClinVar variation 3225155 (VCV003225155.1), dbSNP rs1687884644, ClinGen allele CA350095004.
Genomic context (GRCh38, chr2:208,239,869, plus strand): 5'-GGGCTGCTTTGGAGAGCACTCTCTGGTGAGAAATCAATGTAAACACCATCTTACCAATGG[G>T]ATTGGTGGACGTCTCCTGTCCTTTCTGGTACATGCGGTAGTGACGGGTTACAGTCCCGTG-3'
Protein context (NP_005887.2, residues 319-339): YQKGQETSTN[Pro329Thr]IASIFAWTRG